The following is an entry in ClinVar:

NM_001368894.2(PAX6):c.76C>T (p.Arg26Trp)

Gene: PAX6 (paired box 6; minus strand). Cytogenetic location: 11p13.
Variant type: single nucleotide variant.
Coding change: c.76C>T on transcript NM_001368894.2 (MANE Select); coding-DNA position 76, C replaced by T.
Protein change: p.Arg26Trp; replaces arginine 26 with tryptophan.
Molecular consequence: missense variant. On other transcripts: 5 prime UTR variant (12), non-coding transcript variant (2), intron variant (2).
Genome position (GRCh38, 1-based): chr11:31,802,769, G>A on the plus strand (C>T on the coding strand, the complement: PAX6 is on the minus strand). VCF-style: chr11-31802769-G-A. GRCh37 (hg19) VCF-style: chr11-31824317-G-A.
Other names: c.76C>T, p.Arg26Trp (NM_000280.6, NM_001127612.3, NM_001258462.3 and 30 more transcripts); c.-706C>T (NM_001310160.2, NM_001368905.2); c.-375C>T (NM_001310161.3, NM_001368900.2, NM_001368903.2 and 2 more transcripts); c.-333C>T (NM_001368899.2, NM_001368901.2, NM_001368906.2 and 1 more transcripts); c.-664C>T (NM_001368902.2); c.319C>T, p.Arg107Trp (NM_001368910.2); c.79C>T, p.Arg27Trp (NM_001368911.2); c.-267-993C>T (NM_001368909.2, NM_001368904.2); and 1 more; short protein forms R27W, R26W, R107W.
Identifiers: ClinVar variation 800389 (VCV000800389.21), dbSNP rs121907913, ClinGen allele CA379959598.

ClinVar aggregate classification (germline): Pathogenic. Review status: criteria provided, multiple submitters, no conflicts (2 of 4 stars). 3 submissions from 3 submitters: Pathogenic (2). 1 of the submissions does not count toward it. Last evaluated 2025-06-12.

Conditions:
Irido-corneo-trabecular dysgenesis (ASGD5). Also called: ANTERIOR SEGMENT DYSGENESIS 5. Identifiers: Orphanet 708, MedGen C0344559, MONDO:0011414, OMIM 604229, HP:0000659.
Aniridia 1 (AN1). Identifiers: Orphanet 250923, MedGen C0344542, MONDO:0024507, OMIM 106210.

Submissions (3):

Labcorp Genetics (formerly Invitae), Labcorp
Classification: Pathogenic for Aniridia 1; Irido-corneo-trabecular dysgenesis. Last evaluated: 2025-06-12. Review status: criteria provided, single submitter. Criteria: Invitae Variant Classification Sherloc (09022015). Collection method: clinical testing. Allele origin: germline.
Comment: This sequence change replaces arginine, which is basic and polar, with tryptophan, which is neutral and slightly polar, at codon 26 of the PAX6 protein (p.Arg26Trp). This variant is not present in population databases (gnomAD no frequency). This missense change has been observed in individual(s) with clinical features of aniridia (PMID: 27878435, 32360764). In at least one individual the variant was observed to be de novo. Invitae Evidence Modeling of clinical and family history, age, sex, and reported ancestry of multiple individuals with this PAX6 variant has been performed. This variant is expected to be pathogenic with a positive predictive value of at least 99%. This is a validated machine learning model that incorporates the clinical features of 11,666 individuals referred to our laboratory for PAX6 testing. ClinVar contains an entry for this variant (Variation ID: 800389). Invitae Evidence Modeling of protein sequence and biophysical properties (such as structural, functional, and spatial information, amino acid conservation, physicochemical variation, residue mobility, and thermodynamic stability) indicates that this missense variant is expected to disrupt PAX6 protein function with a positive predictive value of 80%. This variant disrupts the p.Arg26 amino acid residue in PAX6. Other variant(s) that disrupt this residue have been observed in individuals with PAX6-related conditions (PMID: 18483559, 31700164, 34101622), which suggests that this may be a clinically significant amino acid residue. For these reasons, this variant has been classified as Pathogenic.

Molecular Medicine, University of Pavia
Classification: Pathogenic for Irido-corneo-trabecular dysgenesis. Last evaluated: 2023-07-28. Review status: criteria provided, single submitter. Criteria: ACMG Guidelines, 2015. Collection method: research. Allele origin: paternal. Affected: yes. Observed: 2 variant alleles.

Wessex Regional Genetics Laboratory, Salisbury District Hospital
Classification: Likely pathogenic for Aniridia 1. Last evaluated: 2019-08-15. Review status: no assertion criteria provided. Criteria: ACMG Guidelines, 2015. Collection method: clinical testing. Allele origin: unknown. Inheritance: Autosomal dominant inheritance. Affected: yes. Not counted in ClinVar's aggregate classification.

Literature cited by the submitters: PubMed 27878435 (cited by Labcorp Genetics (formerly Invitae), Labcorp); PubMed 32360764 (cited by Labcorp Genetics (formerly Invitae), Labcorp); PubMed 18483559 (cited by Labcorp Genetics (formerly Invitae), Labcorp); PubMed 31700164 (cited by Labcorp Genetics (formerly Invitae), Labcorp); PubMed 34101622 (cited by Labcorp Genetics (formerly Invitae), Labcorp).